The following is an entry in ClinVar:

NM_001330078.2(NRXN1):c.3220G>A (p.Gly1074Arg)

Gene: NRXN1 (neurexin 1; minus strand). Cytogenetic location: 2p16.3.
Variant type: single nucleotide variant.
Coding change: c.3220G>A on transcript NM_001330078.2 (MANE Select); coding-DNA position 3220, G replaced by A.
Protein change: p.Gly1074Arg; replaces glycine 1074 with arginine.
Molecular consequence: missense variant.
Genome position (GRCh38, 1-based): chr2:50,472,322, C>T on the plus strand (G>A on the coding strand, the complement: NRXN1 is on the minus strand). VCF-style: chr2-50472322-C-T. GRCh37 (hg19) VCF-style: chr2-50699460-C-T.
Other names: c.3340G>A, p.Gly1114Arg (NM_001135659.3); c.3196G>A, p.Gly1066Arg (NM_001330077.2, NM_001330082.2); c.3154G>A, p.Gly1052Arg (NM_001330083.2, NM_001330084.2); c.3193G>A, p.Gly1065Arg (NM_001330085.2); c.3220G>A, p.Gly1074Arg (NM_001330086.2, NM_004801.6); c.3109G>A, p.Gly1037Arg (NM_001330087.2, NM_001330096.2); c.3139G>A, p.Gly1047Arg (NM_001330088.2); c.3217G>A, p.Gly1073Arg (NM_001330093.2); and 2 more; short protein forms G1037R, G1047R, G1052R, G1057R, G1065R, G1066R, G1070R, G1073R.
Identifiers: ClinVar variation 1317195 (VCV001317195.2), dbSNP rs2089558520, ClinGen allele CA346771696.
Genomic context (GRCh38, chr2:50,472,322, plus strand): 5'-AGAATTATTTAGAGCATGATGACAAAAATCTAATACCTTCACATCCTCTCTCGATCTGTC[C>T]GTTGCAGAAAAGAGCATCGGAGATGAGGTCCGGAAGCCGTCCATTTAAATCAACTGATGC-3'
Protein context (NP_001317007.1, residues 1064-1084): DLISDALFCN[Gly1074Arg]QIERGCEGPS

ClinVar aggregate classification (germline): Uncertain significance (1 of 4 stars; one submission).

Submission:

GeneDx
Classification: Uncertain significance. Last evaluated: 2021-04-02. Review status: criteria provided, single submitter. Criteria: GeneDx Variant Classification Process June 2021. Collection method: clinical testing. Allele origin: germline. Affected: yes.
Comment: Not observed in large population cohorts (Lek et al., 2016); In silico analysis supports that this missense variant has a deleterious effect on protein structure/function; In silico analysis, which includes splice predictors and evolutionary conservation, suggests this variant may impact gene splicing. In the absence of RNA/functional studies, the actual effect of this sequence change is unknown.; Has not been previously published as pathogenic or benign to our knowledge